The following is an entry in ClinVar:

NM_001145358.2(SIN3A):c.2120G>A (p.Arg707Gln)

Gene: SIN3A (SIN3 transcription regulator family member A; minus strand). Cytogenetic location: 15q24.2.
Variant type: single nucleotide variant.
Coding change: c.2120G>A on transcript NM_001145358.2 (MANE Select); coding-DNA position 2120, G replaced by A.
Protein change: p.Arg707Gln; replaces arginine 707 with glutamine.
Molecular consequence: missense variant.
Genome position (GRCh38, 1-based): chr15:75,394,837, C>T on the plus strand (G>A on the coding strand, the complement: SIN3A is on the minus strand). VCF-style: chr15-75394837-C-T. GRCh37 (hg19) VCF-style: chr15-75687178-C-T.
Other names: c.2120G>A, p.Arg707Gln (NM_001145357.2, NM_001437462.1, NM_001437463.1 and 1 more transcripts); short protein forms R707Q.
Identifiers: ClinVar variation 4778578 (VCV004778578.1).

ClinVar aggregate classification (germline): Uncertain significance (1 of 4 stars; one submission).

gnomAD v4.1: 3 of 1,613,726 alleles (0.00019%); highest among the groups gnomAD compares: African/African-American, 0.0013%; no homozygotes.

Submission:

Labcorp Genetics (formerly Invitae), Labcorp
Classification: Uncertain significance. Last evaluated: 2025-07-06. Review status: criteria provided, single submitter. Criteria: Invitae Variant Classification Sherloc (09022015). Collection method: clinical testing. Allele origin: germline.
Comment: This sequence change replaces arginine, which is basic and polar, with glutamine, which is neutral and polar, at codon 707 of the SIN3A protein (p.Arg707Gln). This variant is present in population databases (rs756699875, gnomAD 0.007%). This variant has not been reported in the literature in individuals affected with SIN3A-related conditions. Invitae Evidence Modeling of protein sequence and biophysical properties (such as structural, functional, and spatial information, amino acid conservation, physicochemical variation, residue mobility, and thermodynamic stability) has been performed for this missense variant. However, the output from this modeling did not meet the statistical confidence thresholds required to predict the impact of this variant on SIN3A protein function. In summary, the available evidence is currently insufficient to determine the role of this variant in disease. Therefore, it has been classified as a Variant of Uncertain Significance.